The following is an entry in ClinVar:

NM_001009999.3(KDM1A):c.502C>T (p.Pro168Ser)

Gene: KDM1A (lysine demethylase 1A; plus strand). Cytogenetic location: 1p36.12.
Variant type: single nucleotide variant.
Coding change: c.502C>T on transcript NM_001009999.3 (MANE Select); coding-DNA position 502, C replaced by T.
Protein change: p.Pro168Ser; replaces proline 168 with serine.
Molecular consequence: missense variant.
Genome position (GRCh38, 1-based): chr1:23,030,619, C>T. VCF-style: chr1-23030619-C-T. GRCh37 (hg19) VCF-style: chr1-23357112-C-T.
Other names: c.502C>T, p.Pro168Ser (NM_001363654.2, NM_001410762.1, NM_001410763.1 and 1 more transcripts); short protein forms P168S.
Identifiers: ClinVar variation 5006257 (VCV005006257.2).

ClinVar aggregate classification (germline): Uncertain significance (1 of 4 stars; one submission).

Conditions:
Palatal anomalies-widely spaced teeth-facial dysmorphism-developmental delay syndrome. Also called: Cleft palate, psychomotor retardation, and distinctive facial features. Identifiers: Orphanet 477993, MedGen C4225229, MONDO:0014751, OMIM 616728.

gnomAD v4.1: 1 of 1,564,738 alleles (0.000064%); highest among the groups gnomAD compares: Non-Finnish European, 0.000086%; no homozygotes.

Submission:

Juno Genomics, Hangzhou Juno Genomics, Inc
Classification: Uncertain significance for Palatal anomalies-widely spaced teeth-facial dysmorphism-developmental delay syndrome. Review status: criteria provided, single submitter. Criteria: ACMG Guidelines, 2015. Collection method: clinical testing. Allele origin: germline.
Comment: Missense variant in a gene that has a low rate of benign missense variation.;Multiple lines of computational evidence support a deleterious effect on the gene or gene product.;Absent from controls (or at extremely low frequency if recessive) in Genome Aggregation Database.